The following is an entry in ClinVar:

ClinVar aggregate classification (germline): Uncertain significance (1 of 4 stars; one submission).

Submission:

CeGaT Center for Human Genetics Tuebingen
Classification: Uncertain significance. Last evaluated: 2024-08-01. Review status: criteria provided, single submitter. Criteria: CeGaT Center For Human Genetics Tuebingen Variant Classification Criteria Version 2. Collection method: clinical testing. Allele origin: germline. Affected: yes. Observed: 1 variant allele.
Comment: VCP: PM2, PP2, PP3

NM_007126.5(VCP):c.2214A>C (p.Glu738Asp)

Gene: VCP (valosin containing protein; minus strand). Cytogenetic location: 9p13.3.
Variant type: single nucleotide variant.
Coding change: c.2214A>C on transcript NM_007126.5 (MANE Select); coding-DNA position 2214, A replaced by C.
Protein change: p.Glu738Asp; replaces glutamic acid 738 with aspartic acid.
Molecular consequence: missense variant.
Genome position (GRCh38, 1-based): chr9:35,057,477, T>G on the plus strand (A>C on the coding strand, the complement: VCP is on the minus strand). VCF-style: chr9-35057477-T-G. GRCh37 (hg19) VCF-style: chr9-35057474-T-G.
Other names: c.2079A>C, p.Glu693Asp (NM_001354927.2, NM_001354928.2); short protein forms E693D, E738D.
Identifiers: ClinVar variation 3341985 (VCV003341985.16).